The following is an entry in ClinVar:

NM_014014.5(SNRNP200):c.5433G>A (p.Ala1811=)

Gene: SNRNP200 (small nuclear ribonucleoprotein U5 subunit 200; minus strand). Cytogenetic location: 2q11.2.
Variant type: single nucleotide variant.
Coding change: c.5433G>A on transcript NM_014014.5 (MANE Select); coding-DNA position 5433, G replaced by A.
Protein change: p.Ala1811=; no amino-acid change (alanine 1811 retained).
Molecular consequence: synonymous variant.
Genome position (GRCh38, 1-based): chr2:96,278,602, C>T on the plus strand (G>A on the coding strand, the complement: SNRNP200 is on the minus strand). VCF-style: chr2-96278602-C-T. GRCh37 (hg19) VCF-style: chr2-96944340-C-T.
Other names: c.5433G>A (NM_014014.4).
Identifiers: ClinVar variation 1118072 (VCV001118072.11), dbSNP rs373776002, ClinGen allele CA1777972.
Genomic context (GRCh38, chr2:96,278,602, plus strand): 5'-CTCACCAATGGTGGTGTAGTTGATGTAATAGTAGGCGGCGATCATGCCTAGGTTCAGAGG[C>T]GCCACGTCCATCTCGTCCTCGATGCTGATGCACTTGGACTGCTCCAGGTCACTCAGGGTC-3'
Protein context (NP_054733.2, residues 1801-1821): CISIEDEMDV[Ala1811=]PLNLGMIAAY

ClinVar aggregate classification (germline): Likely benign. Review status: criteria provided, multiple submitters, no conflicts (2 of 4 stars). 3 submissions from 3 submitters: Likely benign (2). 1 of the submissions does not count toward it. Last evaluated 2026-01-24.

Conditions:
SNRNP200-related disorder. Also called: SNRNP200-related condition.

Allele frequency attached by ClinVar (database versions not stated): 1000 Genomes Project 30x 0.00016; 1000 Genomes Project 0.00020; ESP Exome Variant Server 0.00023; gnomAD 0.00023 and 0.00025; TOPMed 0.00037.

Submissions (3):

Labcorp Genetics (formerly Invitae), Labcorp
Classification: Likely benign. Last evaluated: 2026-01-24. Review status: criteria provided, single submitter. Criteria: Invitae Variant Classification Sherloc (09022015). Collection method: clinical testing. Allele origin: germline.

Blueprint Genetics
Classification: Likely benign. Last evaluated: 2024-11-20. Review status: criteria provided, single submitter. Criteria: ACMG Guidelines, 2015. Collection method: clinical testing. Allele origin: germline.

PreventionGenetics, part of Exact Sciences
Classification: Likely benign for SNRNP200-related condition. Last evaluated: 2024-09-16. Review status: no assertion criteria provided. Collection method: clinical testing. Allele origin: germline. Not counted in ClinVar's aggregate classification.
Comment: This variant is classified as likely benign based on ACMG/AMP sequence variant interpretation guidelines (Richards et al. 2015 PMID: 25741868, with internal and published modifications).